The following is an entry in ClinVar:

NM_024649.5(BBS1):c.1243G>A (p.Val415Met)

Genes: BBS1 (Bardet-Biedl syndrome 1; plus strand), ZDHHC24 (zDHHC palmitoyltransferase 24; minus strand). Cytogenetic location: 11q13.2.
Variant type: single nucleotide variant.
Coding change: c.1243G>A on transcript NM_024649.5 (MANE Select); coding-DNA position 1243, G replaced by A.
Protein change: p.Val415Met; replaces valine 415 with methionine.
Molecular consequence: missense variant. On other transcripts: intron variant (1).
Genome position (GRCh38, 1-based): chr11:66,526,711, G>A. VCF-style: chr11-66526711-G-A. GRCh37 (hg19) VCF-style: chr11-66294182-G-A.
Other names: c.*21+225C>T (NM_001348571.2); short protein forms V415M.
Identifiers: ClinVar variation 840928 (VCV000840928.12), dbSNP rs150444177, ClinGen allele CA6123682.
Genomic context (GRCh38, chr11:66,526,711, plus strand): 5'-GGTGGCCTGATCATCAAGATCCTGAAGCGTACAGCAGTGTTTGTAGAGGGAGGAAGTGAG[G>A]TGGGTCCCCCACCAGCCCAGGCCATGAAACTCAATGTGCCCCGAAAGACCCGGCTTTACG-3'
Protein context (NP_078925.3, residues 405-425): TAVFVEGGSE[Val415Met]GPPPAQAMKL

ClinVar aggregate classification (germline): Uncertain significance. Review status: criteria provided, multiple submitters, no conflicts (2 of 4 stars). 5 submissions from 5 submitters: Uncertain significance (4). 1 of the submissions does not count toward it. Last evaluated 2026-08-28.

Conditions:
Inborn genetic diseases. Identifiers: MedGen C0950123, MeSH D030342.
Bardet-Biedl syndrome (BBS). Identifiers: Orphanet 110, MedGen C0752166, MONDO:0015229.
Bardet-Biedl syndrome 1 (BBS1). Identifiers: MedGen C2936862, MONDO:0008854, OMIM 209900. Disease mechanism: loss of function.
BBS1-related disorder. Also called: BBS1-related condition.

Allele frequency attached by ClinVar (database versions not stated): TOPMed 0.00004; ESP Exome Variant Server 0.00031; ExAC 0.00003; gnomAD 0.00007; gnomAD exomes 0.00008 and 0.00002.
gnomAD v4.1: 125 of 1,614,076 alleles (0.0077%); highest among the groups gnomAD compares: Non-Finnish European, 0.01%; no homozygotes.

Submissions (5):

PreventionGenetics, part of Exact Sciences
Classification: Uncertain significance for BBS1-related condition. Last evaluated: 2026-08-28. Review status: criteria provided, single submitter. Criteria: ACMG Guidelines, 2015. Collection method: clinical testing. Allele origin: germline.
Comment: The BBS1 c.1243G>A variant is predicted to result in the amino acid substitution p.Val415Met. To our knowledge, this variant has not been reported in the literature. This variant is reported in 0.0040% of alleles in individuals of African descent in gnomAD. At this time, the clinical significance of this variant is uncertain due to the absence of conclusive functional and genetic evidence.

Ambry Genetics
Classification: Uncertain significance for Inborn genetic diseases. Last evaluated: 2025-08-26. Review status: criteria provided, single submitter. Criteria: Ambry Variant Classification Scheme 2023. Collection method: clinical testing. Allele origin: germline.

Labcorp Genetics (formerly Invitae), Labcorp
Classification: Uncertain significance for Bardet-Biedl syndrome. Last evaluated: 2024-09-06. Review status: criteria provided, single submitter. Criteria: Invitae Variant Classification Sherloc (09022015). Collection method: clinical testing. Allele origin: germline.
Comment: This sequence change replaces valine, which is neutral and non-polar, with methionine, which is neutral and non-polar, at codon 415 of the BBS1 protein (p.Val415Met). This variant is present in population databases (rs150444177, gnomAD 0.005%). This variant has not been reported in the literature in individuals affected with BBS1-related conditions. ClinVar contains an entry for this variant (Variation ID: 840928). Invitae Evidence Modeling of protein sequence and biophysical properties (such as structural, functional, and spatial information, amino acid conservation, physicochemical variation, residue mobility, and thermodynamic stability) indicates that this missense variant is not expected to disrupt BBS1 protein function with a negative predictive value of 80%. In summary, the available evidence is currently insufficient to determine the role of this variant in disease. Therefore, it has been classified as a Variant of Uncertain Significance.

Fulgent Genetics
Classification: Uncertain significance for Bardet-Biedl syndrome 1. Last evaluated: 2022-04-10. Review status: criteria provided, single submitter. Criteria: ACMG Guidelines, 2015. Collection method: clinical testing. Allele origin: unknown.

Natera, Inc.
Classification: Uncertain significance for Bardet-Biedl syndrome type 1. Last evaluated: 2020-09-16. Review status: no assertion criteria provided. Collection method: clinical testing. Allele origin: germline. Not counted in ClinVar's aggregate classification.